The following is an entry in ClinVar:

NM_080732.4(EGLN2):c.59C>T (p.Ser20Phe)

Genes: EGLN2 (egl-9 family hypoxia inducible factor 2; plus strand), RAB4B-EGLN2 (RAB4B-EGLN2 readthrough (NMD candidate); plus strand). Cytogenetic location: 19q13.2.
Variant type: single nucleotide variant.
Coding change: c.59C>T on transcript NM_080732.4 (MANE Select); coding-DNA position 59, C replaced by T.
Protein change: p.Ser20Phe; replaces serine 20 with phenylalanine.
Molecular consequence: missense variant. On other transcripts: non-coding transcript variant (1).
Genome position (GRCh38, 1-based): chr19:40,800,631, C>T. VCF-style: chr19-40800631-C-T. GRCh37 (hg19) VCF-style: chr19-41306536-C-T.
Other names: c.59C>T, p.Ser20Phe (NM_053046.4); short protein forms S20F.
Identifiers: ClinVar variation 1750960 (VCV001750960.3), dbSNP rs758880158, ClinGen allele CA9452135.
Genomic context (GRCh38, chr19:40,800,631, plus strand): 5'-CCATGGACAGCCCGTGCCAGCCGCAGCCCCTAAGTCAGGCTCTCCCTCAGTTACCAGGGT[C>T]TTCGTCAGAGCCCTTGGAGCCTGAGCCTGGCCGGGCCAGGATGGGAGTGGAGAGTTACCT-3'
Protein context (NP_542770.2, residues 10-30): LSQALPQLPG[Ser20Phe]SSEPLEPEPG

ClinVar aggregate classification (germline): Uncertain significance (1 of 4 stars; one submission).

Allele frequency attached by ClinVar (database versions not stated): ExAC 0.00002.
gnomAD v4.1: 16 of 1,613,732 alleles (0.00099%); highest among the groups gnomAD compares: South Asian, 0.013%; no homozygotes.

Submission:

Ambry Genetics
Classification: Uncertain significance. Last evaluated: 2024-05-10. Review status: criteria provided, single submitter. Criteria: Ambry Variant Classification Scheme 2023. Collection method: clinical testing. Allele origin: germline.
Comment: The p.S20F variant (also known as c.59C>T), located in coding exon 1 of the EGLN2 gene, results from a C to T substitution at nucleotide position 59. The serine at codon 20 is replaced by phenylalanine, an amino acid with highly dissimilar properties. This amino acid position is conserved. In addition, this alteration is predicted to be tolerated by in silico analysis. Since supporting evidence is limited at this time, the clinical significance of this alteration remains unclear.